The following is an entry in ClinVar:

ClinVar aggregate classification (germline): Uncertain significance (1 of 4 stars; one submission).

Conditions:
MEGF8-related Carpenter syndrome. Also called: Carpenter syndrome 2. Identifiers: Orphanet 65759, MedGen C3554247, MONDO:0013998, OMIM 614976.

Allele frequency attached by ClinVar (database versions not stated): TOPMed 0.00002.

Submission:

Labcorp Genetics (formerly Invitae), Labcorp
Classification: Uncertain significance for MEGF8-related Carpenter syndrome. Last evaluated: 2022-07-06. Review status: criteria provided, single submitter. Criteria: Invitae Variant Classification Sherloc (09022015). Collection method: clinical testing. Allele origin: germline.
Comment: This sequence change replaces arginine, which is basic and polar, with tryptophan, which is neutral and slightly polar, at codon 38 of the MEGF8 protein (p.Arg38Trp). This variant is not present in population databases (gnomAD no frequency). This variant has not been reported in the literature in individuals affected with MEGF8-related conditions. Algorithms developed to predict the effect of missense changes on protein structure and function are either unavailable or do not agree on the potential impact of this missense change (SIFT: "Deleterious"; PolyPhen-2: "Probably Damaging"; Align-GVGD: "Class C0"). In summary, the available evidence is currently insufficient to determine the role of this variant in disease. Therefore, it has been classified as a Variant of Uncertain Significance.

NM_001271938.2(MEGF8):c.112C>T (p.Arg38Trp)

Gene: MEGF8 (multiple EGF like domains 8; plus strand). Cytogenetic location: 19q13.2.
Variant type: single nucleotide variant.
Coding change: c.112C>T on transcript NM_001271938.2 (MANE Select); coding-DNA position 112, C replaced by T.
Protein change: p.Arg38Trp; replaces arginine 38 with tryptophan.
Molecular consequence: missense variant.
Genome position (GRCh38, 1-based): chr19:42,326,355, C>T. VCF-style: chr19-42326355-C-T. GRCh37 (hg19) VCF-style: chr19-42830507-C-T.
Other names: c.112C>T, p.Arg38Trp (NM_001410.3); short protein forms R38W.
Identifiers: ClinVar variation 2164657 (VCV002164657.1), dbSNP rs1339893627, ClinGen allele CA406077380.